The following is an entry in ClinVar:

NM_018124.4(RFWD3):c.2319G>A (p.Trp773Ter)

Gene: RFWD3 (ring finger and WD repeat domain 3; minus strand). Cytogenetic location: 16q23.1.
Variant type: single nucleotide variant.
Coding change: c.2319G>A on transcript NM_018124.4 (MANE Select); coding-DNA position 2319, G replaced by A.
Protein change: p.Trp773Ter; replaces tryptophan 773 with a stop codon.
Molecular consequence: nonsense.
Genome position (GRCh38, 1-based): chr16:74,623,934, C>T on the plus strand (G>A on the coding strand, the complement: RFWD3 is on the minus strand). VCF-style: chr16-74623934-C-T. GRCh37 (hg19) VCF-style: chr16-74657832-C-T.
Other names: c.2319G>A, p.Trp773Ter (NM_001370534.1, NM_001370535.1); c.2142G>A, p.Trp714Ter (NM_001370536.1); c.1485G>A, p.Trp495Ter (NM_001370537.1, NM_001370539.1, NM_001370540.1 and 3 more transcripts); short protein forms W773*, W495*, W714*.
Identifiers: ClinVar variation 2007967 (VCV002007967.4), dbSNP rs2543906153, ClinGen allele CA396758844.
Genomic context (GRCh38, chr16:74,623,934, plus strand): 5'-CGCTAGCAAACAACATCTAACCAGCAGCATGCCTTCAAGGTTTCGAGACCACAGTCACTC[C>T]CACTTATAGATGTGGACCATCTTCTCTGTTAAGGTAGCCAAGTAGCTGTTACGGTTCACC-3'

ClinVar aggregate classification (germline): Uncertain significance (1 of 4 stars; one submission).

Allele frequency attached by ClinVar (database versions not stated): gnomAD exomes below 0.00001.

Submission:

Labcorp Genetics (formerly Invitae), Labcorp
Classification: Uncertain significance. Last evaluated: 2022-06-18. Review status: criteria provided, single submitter. Criteria: Invitae Variant Classification Sherloc (09022015). Collection method: clinical testing. Allele origin: germline.
Comment: In summary, the available evidence is currently insufficient to determine the role of this variant in disease. Therefore, it has been classified as a Variant of Uncertain Significance. This variant has not been reported in the literature in individuals affected with RFWD3-related conditions. This variant is not present in population databases (gnomAD no frequency). This sequence change creates a premature translational stop signal (p.Trp773*) in the RFWD3 gene. While this is not anticipated to result in nonsense mediated decay, it is expected to disrupt the last 2 amino acid(s) of the RFWD3 protein.